The following is an entry in ClinVar:

NM_005228.5(EGFR):c.1704C>A (p.Asn568Lys)

Gene: EGFR (epidermal growth factor receptor; plus strand). Cytogenetic location: 7p11.2.
Variant type: single nucleotide variant.
Coding change: c.1704C>A on transcript NM_005228.5 (MANE Select); coding-DNA position 1704, C replaced by A.
Protein change: p.Asn568Lys; replaces asparagine 568 with lysine.
Molecular consequence: missense variant.
Genome position (GRCh38, 1-based): chr7:55,163,805, C>A. VCF-style: chr7-55163805-C-A. GRCh37 (hg19) VCF-style: chr7-55231498-C-A.
Other names: c.1569C>A, p.Asn523Lys (NM_001346897.2, NM_001346899.2); c.1704C>A, p.Asn568Lys (NM_001346898.2, NM_201282.2, NM_201284.2); c.1545C>A, p.Asn515Lys (NM_001346900.2); c.903C>A, p.Asn301Lys (NM_001346941.2); short protein forms N301K, N515K, N568K, N523K.
Identifiers: ClinVar variation 3843806 (VCV003843806.1).

ClinVar aggregate classification (germline): Uncertain significance (1 of 4 stars; one submission).

Conditions:
Hereditary cancer-predisposing syndrome. Also called: Hereditary neoplastic syndrome; Neoplastic Syndromes, Hereditary; Tumor predisposition; Hereditary Cancer Syndrome. Identifiers: Orphanet 140162, MedGen C0027672, MeSH D009386, MONDO:0015356.

gnomAD v4.1: 1 of 1,614,130 alleles (0.000062%); highest among the groups gnomAD compares: Non-Finnish European, 0.000085%; no homozygotes.

Submission:

Ambry Genetics
Classification: Uncertain significance for Hereditary cancer-predisposing syndrome. Last evaluated: 2025-01-17. Review status: criteria provided, single submitter. Criteria: Ambry Variant Classification Scheme 2023. Collection method: clinical testing. Allele origin: germline.
Comment: The p.N568K variant (also known as c.1704C>A), located in coding exon 14 of the EGFR gene, results from a C to A substitution at nucleotide position 1704. The asparagine at codon 568 is replaced by lysine, an amino acid with similar properties. This amino acid position is conserved. In addition, this alteration is predicted to be tolerated by in silico analysis. Based on the available evidence, the clinical significance of this variant remains unclear.